The following is an entry in ClinVar:

NM_006885.4(ZFHX3):c.10285dup (p.Arg3429fs)

Genes: ZFHX3 (zinc finger homeobox 3; minus strand), ZFHX3-AS1 (ZFHX3 antisense RNA 1; plus strand). Cytogenetic location: 16q22.2.
Variant type: Duplication.
Coding change: c.10285dup on transcript NM_006885.4 (MANE Select); coding-DNA position 10285, one base duplicated (C; older notation c.10285dupC).
Protein change: p.Arg3429fs; shifts the reading frame from arginine 3429.
Molecular consequence: frameshift variant.
Genome position (GRCh38, 1-based): chr16:72,787,991, G duplicated on the plus strand (C on the coding strand, the reverse complement: ZFHX3 is on the minus strand); the first of 6 consecutive G bases (chr16:72,787,991-72,787,996); duplicating any one gives the same sequence. VCF-style (leftmost placement, unchanged base first): chr16-72787990-C-CG. GRCh37 (hg19) VCF-style: chr16-72821889-C-CG.
Other names: c.7543dup, p.Arg2515fs (NM_001164766.2); c.10285dup, p.Arg3429fs (NM_001386735.1); short protein forms R2515fs, R3429fs.
Identifiers: ClinVar variation 4531106 (VCV004531106.1).
Genomic context (GRCh38, chr16:72,787,990, plus strand): 5'-GCACTTTTGCTTTCTGCTTCTGGCTCTTCAGGGAGTTTCGGCAGGAGGGGGGACACCTCA[C>CG]GGGGGGTGTTTTTCTGTTCTTCTGGTTTGGGGGATTCTTTGGCAGGGTCTTTGTCTGGGG-3'

ClinVar aggregate classification (germline): Uncertain significance (1 of 4 stars; one submission).

Submission:

GeneDx
Classification: Uncertain significance. Last evaluated: 2025-05-19. Review status: criteria provided, single submitter. Criteria: GeneDx Variant Classification Process June 2021. Collection method: clinical testing. Allele origin: germline. Affected: yes.
Comment: Frameshift variant predicted to result in abnormal protein length as the last 275 amino acid(s) are replaced with 1 different amino acid(s); Not observed at significant frequency in large population cohorts (gnomAD); Has not been previously published as pathogenic or benign to our knowledge